The following is an entry in ClinVar:

NM_017849.4(TMEM127):c.384del (p.Tyr129fs)

Gene: TMEM127 (transmembrane protein 127; minus strand). Cytogenetic location: 2q11.2.
Variant type: Deletion.
Coding change: c.384del on transcript NM_017849.4 (MANE Select); coding-DNA position 384, one base deleted (C; older notation c.384delC).
Protein change: p.Tyr129fs; shifts the reading frame from tyrosine 129.
Molecular consequence: frameshift variant.
Genome position (GRCh38, 1-based): chr2:96,254,858, G deleted on the plus strand (C on the coding strand, the reverse complement: TMEM127 is on the minus strand). VCF-style (leftmost placement, unchanged base first): chr2-96254857-AG-A. GRCh37 (hg19) VCF-style: chr2-96920595-AG-A.
Other names: c.384del, p.Tyr129fs (NM_001193304.3); c.132del, p.Tyr45fs (NM_001407282.1, NM_001407283.1); short protein forms Y129fs, Y45fs.
Identifiers: ClinVar variation 3729044 (VCV003729044.2).

ClinVar aggregate classification (germline): Pathogenic (1 of 4 stars; one submission).

Conditions:
Hereditary pheochromocytoma and paraganglioma. Also called: Hereditary paragangliomas and pheochromocytomas; Hereditary Paraganglioma-Pheochromocytoma Syndromes; Hereditary pheochromocytoma-paraganglioma. Identifiers: Orphanet 29072, MedGen C4274332, MONDO:0017366.

Submission:

Labcorp Genetics (formerly Invitae), Labcorp
Classification: Pathogenic for Hereditary pheochromocytoma and paraganglioma. Last evaluated: 2025-01-15. Review status: criteria provided, single submitter. Criteria: Invitae Variant Classification Sherloc (09022015). Collection method: clinical testing. Allele origin: germline.
Comment: This sequence change creates a premature translational stop signal (p.Tyr129Metfs*7) in the TMEM127 gene. While this is not anticipated to result in nonsense mediated decay, it is expected to disrupt the last 110 amino acid(s) of the TMEM127 protein. This variant is not present in population databases (gnomAD no frequency). This variant has not been reported in the literature in individuals affected with TMEM127-related conditions. This variant disrupts a region of the TMEM127 protein in which other variant(s) (p.Gln157*) have been determined to be pathogenic (PMID: 22419703; internal data). This suggests that this is a clinically significant region of the protein, and that variants that disrupt it are likely to be disease-causing. For these reasons, this variant has been classified as Pathogenic.

Literature cited by the submitters: PubMed 22419703.